The following is an entry in ClinVar:

NM_030662.4(MAP2K2):c.745G>T (p.Asp249Tyr)

Gene: MAP2K2 (mitogen-activated protein kinase kinase 2; minus strand). Cytogenetic location: 19p13.3.
Variant type: single nucleotide variant.
Coding change: c.745G>T on transcript NM_030662.4 (MANE Select); coding-DNA position 745, G replaced by T.
Protein change: p.Asp249Tyr; replaces aspartic acid 249 with tyrosine.
Molecular consequence: missense variant.
Genome position (GRCh38, 1-based): chr19:4,099,375, C>A on the plus strand (G>T on the coding strand, the complement: MAP2K2 is on the minus strand). VCF-style: chr19-4099375-C-A. GRCh37 (hg19) VCF-style: chr19-4099373-C-A.
Other names: short protein forms D249Y.
Identifiers: ClinVar variation 1997887 (VCV001997887.4), dbSNP rs2040968174, ClinGen allele CA403386816.

ClinVar aggregate classification (germline): Uncertain significance (1 of 4 stars; one submission).

Conditions:
RASopathy. Also called: rasopathies; Noonan spectrum disorder. Identifiers: Orphanet 536391, MedGen C5555857, MONDO:0021060.

Allele frequency attached by ClinVar (database versions not stated): TOPMed below 0.00001.

Submission:

Labcorp Genetics (formerly Invitae), Labcorp
Classification: Uncertain significance for RASopathy. Last evaluated: 2022-05-23. Review status: criteria provided, single submitter. Criteria: Invitae Variant Classification Sherloc (09022015). Collection method: clinical testing. Allele origin: germline.
Comment: In summary, the available evidence is currently insufficient to determine the role of this variant in disease. Therefore, it has been classified as a Variant of Uncertain Significance. Advanced modeling of protein sequence and biophysical properties (such as structural, functional, and spatial information, amino acid conservation, physicochemical variation, residue mobility, and thermodynamic stability) performed at Invitae indicates that this missense variant is expected to disrupt MAP2K2 protein function. This variant has not been reported in the literature in individuals affected with MAP2K2-related conditions. This variant is not present in population databases (gnomAD no frequency). This sequence change replaces aspartic acid, which is acidic and polar, with tyrosine, which is neutral and polar, at codon 249 of the MAP2K2 protein (p.Asp249Tyr).